The following is an entry in ClinVar:

ClinVar aggregate classification (germline): Uncertain significance. Review status: criteria provided, multiple submitters, no conflicts (2 of 4 stars). 2 submissions from 2 submitters: Uncertain significance (2). Last evaluated 2023-08-30.

Conditions:
Hereditary sensory and autonomic neuropathy type 1 (HSAN1). Also called: HSAN 1; Hereditary Sensory Neuropathy Type I; HSN Type I. Identifiers: Orphanet 36386, MedGen C0020071, MONDO:0018213.
Inborn genetic diseases. Identifiers: MedGen C0950123, MeSH D030342.

Allele frequency attached by ClinVar (database versions not stated): gnomAD exomes below 0.00001.
gnomAD v4.1: 1 of 1,613,384 alleles (0.000062%); highest among the groups gnomAD compares: African/African-American, 0.0013%; no homozygotes.

Submissions (2):

Labcorp Genetics (formerly Invitae), Labcorp
Classification: Uncertain significance for Hereditary sensory and autonomic neuropathy type 1. Last evaluated: 2023-08-30. Review status: criteria provided, single submitter. Criteria: Invitae Variant Classification Sherloc (09022015). Collection method: clinical testing. Allele origin: germline.
Comment: In summary, the available evidence is currently insufficient to determine the role of this variant in disease. Therefore, it has been classified as a Variant of Uncertain Significance. Advanced modeling of protein sequence and biophysical properties (such as structural, functional, and spatial information, amino acid conservation, physicochemical variation, residue mobility, and thermodynamic stability) performed at Invitae indicates that this missense variant is not expected to disrupt SPTLC1 protein function. ClinVar contains an entry for this variant (Variation ID: 456606). This variant has not been reported in the literature in individuals affected with SPTLC1-related conditions. This variant is not present in population databases (gnomAD no frequency). This sequence change replaces methionine, which is neutral and non-polar, with valine, which is neutral and non-polar, at codon 307 of the SPTLC1 protein (p.Met307Val).

Ambry Genetics
Classification: Uncertain significance for Inborn genetic diseases. Last evaluated: 2021-07-16. Review status: criteria provided, single submitter. Criteria: Ambry Variant Classification Scheme 2023. Collection method: clinical testing. Allele origin: germline.

NM_006415.4(SPTLC1):c.919A>G (p.Met307Val)

Gene: SPTLC1 (serine palmitoyltransferase long chain base subunit 1; minus strand). Cytogenetic location: 9q22.31.
Variant type: single nucleotide variant.
Coding change: c.919A>G on transcript NM_006415.4 (MANE Select); coding-DNA position 919, A replaced by G.
Protein change: p.Met307Val; replaces methionine 307 with valine.
Molecular consequence: missense variant.
Genome position (GRCh38, 1-based): chr9:92,047,678, T>C on the plus strand (A>G on the coding strand, the complement: SPTLC1 is on the minus strand). VCF-style: chr9-92047678-T-C. GRCh37 (hg19) VCF-style: chr9-94809960-T-C.
Other names: c.919A>G, p.Met307Val (NM_001281303.2); c.553A>G, p.Met185Val (NM_001368272.1); c.454A>G, p.Met152Val (NM_001368273.1); c.919A>G (NM_006415.2); short protein forms M307V, M152V, M185V.
Identifiers: ClinVar variation 456606 (VCV000456606.9), dbSNP rs1554706531, ClinGen allele CA373792799.
Genomic context (GRCh38, chr9:92,047,678, plus strand): 5'-GGTCAATTACAAAAGACCTGCCACAGCAGAAACCTCCAATAGAAGCAAGTGCATTCTCCA[T>C]GTTGGCACTGATAAGATCAATATCATCAATCTGCCGGAAAAGGAGGAGTGACAGTTATTC-3'
Protein context (NP_006406.1, residues 297-317): IDDIDLISAN[Met307Val]ENALASIGGF